The following is an entry in ClinVar:

NM_001098668.4(SFTPA2):c.26C>A (p.Thr9Asn)

Gene: SFTPA2 (surfactant protein A2; minus strand). Cytogenetic location: 10q22.3.
Variant type: single nucleotide variant.
Coding change: c.26C>A on transcript NM_001098668.4 (MANE Select); coding-DNA position 26, C replaced by A.
Protein change: p.Thr9Asn; replaces threonine 9 with asparagine.
Molecular consequence: missense variant.
Genome position (GRCh38, 1-based): chr10:79,559,458, G>T on the plus strand (C>A on the coding strand, the complement: SFTPA2 is on the minus strand). VCF-style: chr10-79559458-G-T. GRCh37 (hg19) VCF-style: chr10-81319214-G-T.
Other names: c.26C>A, p.Thr9Asn (NM_001320813.2); c.56C>A, p.Thr19Asn (NM_001320814.1); c.26C>A (NM_001098668.3); short protein forms T9N, T19N.
Identifiers: ClinVar variation 227066 (VCV000227066.12), dbSNP rs1059046, ClinGen allele CA5574231.
Genomic context (GRCh38, chr10:79,559,458, plus strand): 5'-CTTCCAACACAAACGTCCTTCACTTCGCACGCAGCACCAGAGGCTGCCATCAAGATGAGG[G>T]TGAGGGCCAGAGGGCACAGCCACATGGCTCTGGGTCCAGTCGCTGCTCCTGCCGGAGGGA-3'
Protein context (NP_001092138.1, residues 1-19): MWLCPLAL[Thr9Asn]LILMAASGAA

ClinVar aggregate classification (germline): Benign/Likely benign. Review status: criteria provided, multiple submitters, no conflicts (2 of 4 stars). 6 submissions from 6 submitters: Benign (4); Likely benign (1). 1 of the submissions does not count toward it. Last evaluated 2025-08-04.

Conditions:
SFTPA2-related disorder. Also called: SFTPA2-related condition.

Allele frequency attached by ClinVar (database versions not stated): 1000 Genomes Project 0.44848; 1000 Genomes Project 30x 0.48454; TOPMed 0.51725; gnomAD 0.51745.
gnomAD v4.1: 811,931 of 1,350,312 alleles (60%); highest among the groups gnomAD compares: Non-Finnish European, 65%; 280,757 homozygotes.

Submissions (6):

Mayo Clinic Laboratories, Mayo Clinic
Classification: Benign. Last evaluated: 2025-08-04. Review status: criteria provided, single submitter. Criteria: ACMG Guidelines, 2015. Collection method: clinical testing. Allele origin: germline. Observed: 15 variant alleles.
Comment: BA1, BS2, BP4_moderate

Blueprint Genetics
Classification: Likely benign. Last evaluated: 2024-11-27. Review status: criteria provided, single submitter. Criteria: ACMG Guidelines, 2015. Collection method: clinical testing. Allele origin: germline.

GeneDx
Classification: Benign. Last evaluated: 2018-11-12. Review status: criteria provided, single submitter. Criteria: GeneDx Variant Classification Process June 2021. Collection method: clinical testing. Allele origin: germline. Affected: yes.
Comment: This variant is associated with the following publications: (PMID: 24950659)

Laboratory for Molecular Medicine, Mass General Brigham Personalized Medicine
Classification: Benign. Last evaluated: 2015-03-12. Review status: criteria provided, single submitter. Criteria: LMM Criteria. Collection method: clinical testing. Allele origin: germline. Observed: 48 variant alleles.
Comment: p.Thr9Asn in exon 3 of SFTPA2: This variant is not expected to have clinical sig nificance it has been identified in 41% (22324/54314) of European chromosomes by the Exome Aggregation Consortium (ExAC; dbSNP r s1059046).

Breakthrough Genomics
Classification: Benign. Review status: criteria provided, single submitter. Criteria: ACMG Guidelines, 2015. Collection method: not provided. Allele origin: germline. Inheritance: Autosomal dominant inheritance. Affected: yes.

PreventionGenetics, part of Exact Sciences
Classification: Benign for SFTPA2-related condition. Last evaluated: 2021-04-26. Review status: no assertion criteria provided. Collection method: clinical testing. Allele origin: germline. Not counted in ClinVar's aggregate classification.
Comment: This variant is classified as benign based on ACMG/AMP sequence variant interpretation guidelines (Richards et al. 2015 PMID: 25741868, with internal and published modifications).

Literature cited by the submitters: PubMed 24950659 (cited by Mayo Clinic Laboratories, Mayo Clinic).